The following is an entry in ClinVar:

ClinVar aggregate classification (germline): Pathogenic/Likely pathogenic. Review status: criteria provided, multiple submitters, no conflicts (2 of 4 stars). 2 submissions from 2 submitters: Pathogenic (1); Likely pathogenic (1). Last evaluated 2024-03-08.

Conditions:
Joubert syndrome 8 (JBTS8). Identifiers: Orphanet 475, MedGen C2676771, MONDO:0012855, OMIM 612291.

Submissions (2):

Fulgent Genetics
Classification: Likely pathogenic for Joubert syndrome 8. Last evaluated: 2024-03-08. Review status: criteria provided, single submitter. Criteria: ACMG Guidelines, 2015. Collection method: clinical testing. Allele origin: germline.

Labcorp Genetics (formerly Invitae), Labcorp
Classification: Pathogenic for Joubert syndrome 8. Last evaluated: 2022-10-24. Review status: criteria provided, single submitter. Criteria: Invitae Variant Classification Sherloc (09022015). Collection method: clinical testing. Allele origin: germline.
Comment: This sequence change creates a premature translational stop signal (p.Asn311Lysfs*2) in the ARL13B gene. It is expected to result in an absent or disrupted protein product. Loss-of-function variants in ARL13B are known to be pathogenic (PMID: 18674751). This variant is not present in population databases (gnomAD no frequency). This variant has not been reported in the literature in individuals affected with ARL13B-related conditions. ClinVar contains an entry for this variant (Variation ID: 1453361). For these reasons, this variant has been classified as Pathogenic.

Literature cited by the submitters: PubMed 18674751 (cited by Labcorp Genetics (formerly Invitae), Labcorp).

NM_001174150.2(ARL13B):c.932dup (p.Asn311fs)

Gene: ARL13B (ARF like GTPase 13B; plus strand). Cytogenetic location: 3q11.2.
Variant type: Duplication.
Coding change: c.932dup on transcript NM_001174150.2 (MANE Select); coding-DNA position 932, one base duplicated (A; older notation c.932dupA).
Protein change: p.Asn311fs; shifts the reading frame from asparagine 311.
Molecular consequence: frameshift variant. On other transcripts: non-coding transcript variant (2).
Genome position (GRCh38, 1-based): chr3:94,043,148, A duplicated; the last of 7 consecutive A bases (chr3:94,043,142-94,043,148); duplicating any one gives the same sequence. VCF-style (leftmost placement, unchanged base first): chr3-94043141-C-CA. GRCh37 (hg19) VCF-style: chr3-93761985-C-CA.
Other names: c.932dup, p.Asn311fs (NM_182896.3); c.623dup, p.Asn208fs (NM_001174151.2); c.887dup, p.Asn296fs (NM_001321328.2); c.611dup, p.Asn204fs (NM_144996.4); short protein forms N204fs, N208fs, N296fs, N311fs.
Identifiers: ClinVar variation 1453361 (VCV001453361.7), dbSNP rs750642821, ClinGen allele CA645539523.